The following is an entry in ClinVar:

ClinVar aggregate classification (germline): Uncertain significance (1 of 4 stars; one submission).

Allele frequency attached by ClinVar (database versions not stated): gnomAD exomes below 0.00001; gnomAD 0.00001; TOPMed 0.00001.
gnomAD v4.1: 7 of 1,613,462 alleles (0.00043%); highest among the groups gnomAD compares: Non-Finnish European, 0.00059%; no homozygotes.

Submission:

Labcorp Genetics (formerly Invitae), Labcorp
Classification: Uncertain significance. Last evaluated: 2023-05-17. Review status: criteria provided, single submitter. Criteria: Invitae Variant Classification Sherloc (09022015). Collection method: clinical testing. Allele origin: germline.
Comment: This variant is present in population databases (no rsID available, gnomAD 0.0009%). This variant has not been reported in the literature in individuals affected with KIF20A-related conditions. ClinVar contains an entry for this variant (Variation ID: 1907671). An algorithm developed to predict the effect of missense changes on protein structure and function (PolyPhen-2) suggests that this variant is likely to be tolerated. In summary, the available evidence is currently insufficient to determine the role of this variant in disease. Therefore, it has been classified as a Variant of Uncertain Significance. This sequence change replaces threonine, which is neutral and polar, with proline, which is neutral and non-polar, at codon 634 of the KIF20A protein (p.Thr634Pro).

NM_005733.3(KIF20A):c.1900A>C (p.Thr634Pro)

Gene: KIF20A (kinesin family member 20A; plus strand). Cytogenetic location: 5q31.2.
Variant type: single nucleotide variant.
Coding change: c.1900A>C on transcript NM_005733.3 (MANE Select); coding-DNA position 1900, A replaced by C.
Protein change: p.Thr634Pro; replaces threonine 634 with proline.
Molecular consequence: missense variant.
Genome position (GRCh38, 1-based): chr5:138,185,171, A>C. VCF-style: chr5-138185171-A-C. GRCh37 (hg19) VCF-style: chr5-137520860-A-C.
Other names: short protein forms T634P.
Identifiers: ClinVar variation 1907671 (VCV001907671.5), dbSNP rs1435680224, ClinGen allele CA361117594.
Genomic context (GRCh38, chr5:138,185,171, plus strand): 5'-CAAAAGGAACTATTGGAGGAAATGTATGAAGAAAAACTAAATATCCTCAAGGAGTCACTG[A>C]CAAGTTTTTACCAAGAAGAGATTCAGGTGAGTTGCCCTGAGCCAGCTCCAATTAGCTGCT-3'
Protein context (NP_005724.1, residues 624-644): EKLNILKESL[Thr634Pro]SFYQEEIQER